The following is an entry in ClinVar:

NM_002691.4(POLD1):c.439T>G (p.Tyr147Asp)

Gene: POLD1 (DNA polymerase delta 1, catalytic subunit; plus strand). Cytogenetic location: 19q13.33.
Variant type: single nucleotide variant.
Coding change: c.439T>G on transcript NM_002691.4 (MANE Select); coding-DNA position 439, T replaced by G.
Protein change: p.Tyr147Asp; replaces tyrosine 147 with aspartic acid.
Molecular consequence: missense variant. On other transcripts: non-coding transcript variant (1).
Genome position (GRCh38, 1-based): chr19:50,401,900, T>G. VCF-style: chr19-50401900-T-G. GRCh37 (hg19) VCF-style: chr19-50905157-T-G.
Other names: c.439T>G, p.Tyr147Asp (NM_001256849.1, NM_001308632.1); short protein forms Y147D.
Identifiers: ClinVar variation 578121 (VCV000578121.8), dbSNP rs1326137249, ClinGen allele CA406972685.
Genomic context (GRCh38, chr19:50,401,900, plus strand): 5'-GCCTTCGGGGTCACCGATGAGGGGTTCTCTGTCTGCTGCCACATCCACGGCTTCGCTCCC[T>G]ACTTCTACACCCCAGCGCCCCCTGGTGAGTGGCCCCTACCCAGCCCCTCCCTGAGCCACT-3'
Protein context (NP_002682.2, residues 137-157): VCCHIHGFAP[Tyr147Asp]FYTPAPPGFG

ClinVar aggregate classification (germline): Uncertain significance (1 of 4 stars; one submission).

Conditions:
POLD1-related polyposis and colorectal cancer syndrome (CRCS10). Also called: Colorectal cancer 10; COLORECTAL CANCER, SUSCEPTIBILITY TO, ON CHROMOSOME 19q; Colorectal cancer, susceptibility to, 10. Identifiers: Orphanet 220460, MedGen C2675481, MONDO:0012953, OMIM 612591.

Submission:

Labcorp Genetics (formerly Invitae), Labcorp
Classification: Uncertain significance for POLD1-related polyposis and colorectal cancer syndrome. Last evaluated: 2024-09-23. Review status: criteria provided, single submitter. Criteria: Invitae Variant Classification Sherloc (09022015). Collection method: clinical testing. Allele origin: germline.
Comment: This sequence change replaces tyrosine, which is neutral and polar, with aspartic acid, which is acidic and polar, at codon 147 of the POLD1 protein (p.Tyr147Asp). This variant is not present in population databases (gnomAD no frequency). This variant has not been reported in the literature in individuals affected with POLD1-related conditions. ClinVar contains an entry for this variant (Variation ID: 578121). Invitae Evidence Modeling of protein sequence and biophysical properties (such as structural, functional, and spatial information, amino acid conservation, physicochemical variation, residue mobility, and thermodynamic stability) indicates that this missense variant is expected to disrupt POLD1 protein function with a positive predictive value of 80%. In summary, the available evidence is currently insufficient to determine the role of this variant in disease. Therefore, it has been classified as a Variant of Uncertain Significance.